The following is an entry in ClinVar:

ClinVar aggregate classification (germline): Uncertain significance. Review status: criteria provided, multiple submitters, no conflicts (2 of 4 stars). 2 submissions from 2 submitters: Uncertain significance (2). Last evaluated 2026-02-11.

Conditions:
Hypotonia, ataxia, and delayed development syndrome (HADDS). Also called: EBF3 Neurodevelopmental Disorder. Identifiers: Orphanet 658843, MedGen C4310618, MONDO:0015021, OMIM 617330.

Submissions (2):

Genetics and Genomic Medicine Centre, NeuroGen Healthcare, NeuroGen Healthcare
Classification: Uncertain significance for Hypotonia, ataxia, and delayed development syndrome. Last evaluated: 2026-02-11. Review status: criteria provided, single submitter. Criteria: ACMG Guidelines, 2015. Collection method: clinical testing. Allele origin: unknown. Affected: yes.

Labcorp Genetics (formerly Invitae), Labcorp
Classification: Uncertain significance. Last evaluated: 2024-04-04. Review status: criteria provided, single submitter. Criteria: Invitae Variant Classification Sherloc (09022015). Collection method: clinical testing. Allele origin: germline.
Comment: This sequence change replaces histidine, which is basic and polar, with tyrosine, which is neutral and polar, at codon 235 of the EBF3 protein (p.His235Tyr). This variant is not present in population databases (gnomAD no frequency). This variant has not been reported in the literature in individuals affected with EBF3-related conditions. Advanced modeling of protein sequence and biophysical properties (such as structural, functional, and spatial information, amino acid conservation, physicochemical variation, residue mobility, and thermodynamic stability) has been performed at Invitae for this missense variant, however the output from this modeling did not meet the statistical confidence thresholds required to predict the impact of this variant on EBF3 protein function. In summary, the available evidence is currently insufficient to determine the role of this variant in disease. Therefore, it has been classified as a Variant of Uncertain Significance.

NM_001375380.1(EBF3):c.703C>T (p.His235Tyr)

Gene: EBF3 (EBF transcription factor 3; minus strand). Cytogenetic location: 10q26.3.
Variant type: single nucleotide variant.
Coding change: c.703C>T on transcript NM_001375380.1 (MANE Select); coding-DNA position 703, C replaced by T.
Protein change: p.His235Tyr; replaces histidine 235 with tyrosine.
Molecular consequence: missense variant.
Genome position (GRCh38, 1-based): chr10:129,873,530, G>A on the plus strand (C>T on the coding strand, the complement: EBF3 is on the minus strand). VCF-style: chr10-129873530-G-A. GRCh37 (hg19) VCF-style: chr10-131671794-G-A.
Other names: c.703C>T, p.His235Tyr (NM_001005463.3, NM_001375379.1, NM_001375389.1 and 3 more transcripts); short protein forms H235Y.
Identifiers: ClinVar variation 3648840 (VCV003648840.3).